The following is an entry in ClinVar:

ClinVar aggregate classification (germline): Conflicting classifications of pathogenicity. Review status: criteria provided, conflicting classifications (1 of 4 stars). 7 submissions from 7 submitters: Likely pathogenic (1); Uncertain significance (6). Last evaluated 2025-12-19.

Conditions:
Familial thoracic aortic aneurysm and aortic dissection (TAAD). Also called: Thoracic aortic aneurysms and dissections. Identifiers: Orphanet 91387, MedGen C4707243, MONDO:0019625.
Marfan syndrome (MFS). Also called: Marfan syndrome type 1; Marfan syndrome, classic; Marfan's syndrome; FBN1-Related Marfan Syndrome; MARFAN SYNDROME, TYPE I. Identifiers: Orphanet 284963, Orphanet 558, MedGen C0024796, MONDO:0007947, OMIM 154700.

Allele frequency attached by ClinVar (database versions not stated): TOPMed below 0.00001; ExAC 0.00002; gnomAD exomes 0.00001.
gnomAD v4.1: 16 of 1,614,084 alleles (0.00099%); highest among the groups gnomAD compares: South Asian, 0.0066%; no homozygotes.

Submissions (7):

Labcorp Genetics (formerly Invitae), Labcorp
Classification: Likely pathogenic for Marfan syndrome; Familial thoracic aortic aneurysm and aortic dissection. Last evaluated: 2025-12-19. Review status: criteria provided, single submitter. Criteria: Invitae Variant Classification Sherloc (09022015). Collection method: clinical testing. Allele origin: germline.
Comment: This sequence change replaces arginine, which is basic and polar, with glutamine, which is neutral and polar, at codon 1644 of the FBN1 protein (p.Arg1644Gln). This variant is present in population databases (rs768366890, gnomAD 0.006%). This missense change has been observed in individuals with clinical features of FBN1-related conditions and/or clinical features of Marfan syndrome (internal data). ClinVar contains an entry for this variant (Variation ID: 519715). Invitae Evidence Modeling of protein sequence and biophysical properties (such as structural, functional, and spatial information, amino acid conservation, physicochemical variation, residue mobility, and thermodynamic stability) indicates that this missense variant is expected to disrupt FBN1 protein function with a positive predictive value of 95%. In summary, the currently available evidence indicates that the variant is pathogenic, but additional data are needed to prove that conclusively. Therefore, this variant has been classified as Likely Pathogenic.

Color Diagnostics, LLC DBA Color Health
Classification: Uncertain significance for Familial thoracic aortic aneurysm and aortic dissection. Last evaluated: 2025-07-15. Review status: criteria provided, single submitter. Criteria: ACMG Guidelines, 2015. Collection method: clinical testing. Allele origin: germline.
Comment: This missense variant replaces arginine with glutamine at codon 1644 of the FBN1 protein. Computational prediction is inconclusive regarding the impact of this variant on protein structure and function. To our knowledge, functional studies have not been reported for this variant. This variant has not been reported in individuals affected with FBN1-related disorders in the literature. This variant has been identified in 3/251250 chromosomes in the general population by the Genome Aggregation Database (gnomAD). The available evidence is insufficient to determine the role of this variant in disease conclusively. Therefore, this variant is classified as a Variant of Uncertain Significance.

ARUP Laboratories, Molecular Genetics and Genomics, ARUP Laboratories
Classification: Uncertain significance. Last evaluated: 2025-05-14. Review status: criteria provided, single submitter. Criteria: ARUP Molecular Germline Variant Investigation Process 2024. Collection method: clinical testing. Allele origin: germline.
Comment: The FBN1 c.4931G>A; p.Arg1644Gln variant (rs768366890), to our knowledge, is not reported in the medical literature but is reported in ClinVar (Variation ID: 519715). This variant is found in the general population with an overall allele frequency of 0.001% (3/251,250 alleles) in the Genome Aggregation Database (v2.1.1). Computational analyses are uncertain whether this variant is neutral or deleterious (REVEL: 0.541). Due to limited information, the clinical significance of this variant is uncertain at this time.

Ambry Genetics
Classification: Uncertain significance for Familial thoracic aortic aneurysm and aortic dissection. Last evaluated: 2025-03-19. Review status: criteria provided, single submitter. Criteria: Ambry Variant Classification Scheme 2023. Collection method: clinical testing. Allele origin: germline.
Comment: The p.R1644Q variant (also known as c.4931G>A), located in coding exon 39 of the FBN1 gene, results from a G to A substitution at nucleotide position 4931. The arginine at codon 1644 is replaced by glutamine, an amino acid with highly similar properties. This amino acid position is highly conserved in available vertebrate species. In addition, this alteration is predicted to be deleterious by in silico analysis. Based on the available evidence, the clinical significance of this variant remains unclear.

All of Us Research Program, National Institutes of Health
Classification: Uncertain significance for Marfan syndrome. Last evaluated: 2024-06-11. Review status: criteria provided, single submitter. Criteria: ACMG Guidelines, 2015. Collection method: clinical testing. Allele origin: germline. Inheritance: Autosomal dominant inheritance. Observed: 3 variant alleles, 3 heterozygotes.
Comment: This missense variant replaces arginine with glutamine at codon 1644 of the FBN1 protein. Computational prediction is inconclusive regarding the impact of this variant on protein structure and function (internally defined REVEL score threshold 0.5 < inconclusive < 0.7, PMID: 27666373). To our knowledge, functional studies have not been reported for this variant. This variant has not been reported in individuals affected with cardiovascular disorders in the literature. This variant has been identified in 3/251250 chromosomes in the general population by the Genome Aggregation Database (gnomAD). The available evidence is insufficient to determine the role of this variant in disease conclusively. Therefore, this variant is classified as a Variant of Uncertain Significance.

This study involves interpretation of variants in research participants for the purpose of population health screening. Participant phenotype was not available at the time of variant classification. Additional details can be found in publication PMID: 35346344, PMCID: PMC8962531

Blueprint Genetics
Classification: Uncertain significance. Last evaluated: 2023-11-21. Review status: criteria provided, single submitter. Criteria: ACMG Guidelines, 2015. Collection method: clinical testing. Allele origin: germline.

GeneDx
Classification: Uncertain significance. Last evaluated: 2023-03-09. Review status: criteria provided, single submitter. Criteria: GeneDx Variant Classification Process June 2021. Collection method: clinical testing. Allele origin: germline. Affected: yes.
Comment: Has not been previously published as pathogenic or benign to our knowledge; Not observed at significant frequency in large population cohorts (gnomAD); In silico analysis supports that this missense variant has a deleterious effect on protein structure/function; Although located in a calcium-binding EGF-like domain of the FBN1 gene, it does not affect a cysteine residue within this domain; cysteine substitutions in the calcium-binding EGF-like domains represent the majority of pathogenic missense changes associated with FBN1-related disorders (Collod-Beroud et al., 2003); In silico analysis suggests this variant may impact gene splicing. In the absence of RNA/functional studies, the actual effect of this sequence change is unknown.

NM_000138.5(FBN1):c.4931G>A (p.Arg1644Gln)

Gene: FBN1 (fibrillin 1; minus strand). Cytogenetic location: 15q21.1.
Variant type: single nucleotide variant.
Coding change: c.4931G>A on transcript NM_000138.5 (MANE Select); coding-DNA position 4931, G replaced by A.
Protein change: p.Arg1644Gln; replaces arginine 1644 with glutamine.
Molecular consequence: missense variant.
Genome position (GRCh38, 1-based): chr15:48,465,579, C>T on the plus strand (G>A on the coding strand, the complement: FBN1 is on the minus strand). VCF-style: chr15-48465579-C-T. GRCh37 (hg19) VCF-style: chr15-48757776-C-T.
Other names: short protein forms R1644Q.
Identifiers: ClinVar variation 519715 (VCV000519715.26), dbSNP rs768366890, ClinGen allele CA053996.